The following is an entry in ClinVar:

ClinVar aggregate classification (germline): Uncertain significance. Review status: criteria provided, multiple submitters, no conflicts (2 of 4 stars). 2 submissions from 2 submitters: Uncertain significance (2). Last evaluated 2024-07-30.

Conditions:
Angelman syndrome (AS). Also called: HAPPY PUPPET SYNDROME. Identifiers: Orphanet 72, MedGen C0162635, MONDO:0007113, OMIM 105830. Disease mechanism: loss of function. Inheritance: AS is caused by disruption of maternally imprinted UBE3A located within the 15q11.2-q13 Angelman syndrome/Prader-Willi syndrome (AS/PWS) region., imprinting disorder.

Allele frequency attached by ClinVar (database versions not stated): TOPMed below 0.00001; ExAC 0.00001; gnomAD exomes 0.00001.
gnomAD v4.1: 3 of 1,614,132 alleles (0.00019%); highest among the groups gnomAD compares: Admixed American, 0.0033%; no homozygotes.

Submissions (2):

Labcorp Genetics (formerly Invitae), Labcorp
Classification: Uncertain significance for Angelman syndrome. Last evaluated: 2024-07-30. Review status: criteria provided, single submitter. Criteria: Invitae Variant Classification Sherloc (09022015). Collection method: clinical testing. Allele origin: germline.
Comment: This sequence change replaces glycine, which is neutral and non-polar, with alanine, which is neutral and non-polar, at codon 197 of the UBE3A protein (p.Gly197Ala). This variant is present in population databases (rs777672019, gnomAD 0.006%). This variant has not been reported in the literature in individuals affected with UBE3A-related conditions. ClinVar contains an entry for this variant (Variation ID: 1700856). Advanced modeling of protein sequence and biophysical properties (such as structural, functional, and spatial information, amino acid conservation, physicochemical variation, residue mobility, and thermodynamic stability) has been performed at Invitae for this missense variant, however the output from this modeling did not meet the statistical confidence thresholds required to predict the impact of this variant on UBE3A protein function. In summary, the available evidence is currently insufficient to determine the role of this variant in disease. Therefore, it has been classified as a Variant of Uncertain Significance.

GeneDx
Classification: Uncertain significance. Last evaluated: 2022-02-10. Review status: criteria provided, single submitter. Criteria: GeneDx Variant Classification Process June 2021. Collection method: clinical testing. Allele origin: germline. Affected: yes.
Comment: Not observed at significant frequency in large population cohorts (gnomAD); In silico analysis supports that this missense variant does not alter protein structure/function; Has not been previously published as pathogenic or benign to our knowledge

NM_130839.5(UBE3A):c.650G>C (p.Gly217Ala)

Genes: SNHG14 (small nucleolar RNA host gene 14; plus strand), UBE3A (ubiquitin protein ligase E3A; minus strand). Cytogenetic location: 15q11.2.
Variant type: single nucleotide variant.
Coding change: c.650G>C on transcript NM_130839.5 (MANE Select); coding-DNA position 650, G replaced by C.
Protein change: p.Gly217Ala; replaces glycine 217 with alanine.
Molecular consequence: missense variant. On other transcripts: non-coding transcript variant (1), intron variant (2).
Genome position (GRCh38, 1-based): chr15:25,371,524, C>G on the plus strand (G>C on the coding strand, the complement: UBE3A is on the minus strand). VCF-style: chr15-25371524-C-G. GRCh37 (hg19) VCF-style: chr15-25616671-C-G.
Other names: c.590G>C, p.Gly197Ala (NM_001374461.1, NM_130838.4, NM_001354506.2 and 17 more transcripts); c.301+3941G>C (NM_001354551.2); c.361+3941G>C (NM_001354550.2); c.659G>C, p.Gly220Ala (NM_000462.5); c.650G>C, p.Gly217Ala (NM_001354505.1, NM_001354538.2, NM_001354545.2); c.473G>C, p.Gly158Ala (NM_001354546.2); short protein forms G158A, G197A, G217A, G220A.
Identifiers: ClinVar variation 1700856 (VCV001700856.5), dbSNP rs777672019, ClinGen allele CA7435603.